The following is an entry in ClinVar:

NM_153700.2(STRC):c.711C>T (p.Gly237=)

Gene: STRC (stereocilin; minus strand). Cytogenetic location: 15q15.3.
Variant type: single nucleotide variant.
Coding change: c.711C>T on transcript NM_153700.2 (MANE Select); coding-DNA position 711, C replaced by T.
Protein change: p.Gly237=; no amino-acid change (glycine 237 retained).
Molecular consequence: synonymous variant.
Genome position (GRCh38, 1-based): chr15:43,617,710, G>A on the plus strand (C>T on the coding strand, the complement: STRC is on the minus strand). VCF-style: chr15-43617710-G-A. GRCh37 (hg19) VCF-style: chr15-43909908-G-A.
Identifiers: ClinVar variation 4280915 (VCV004280915.7).

ClinVar aggregate classification (germline): Likely benign (1 of 4 stars; one submission).

Submission:

CeGaT Center for Human Genetics Tuebingen
Classification: Likely benign. Last evaluated: 2025-09-01. Review status: criteria provided, single submitter. Criteria: CeGaT Center For Human Genetics Tuebingen Variant Classification Criteria Version 2. Collection method: clinical testing. Allele origin: germline. Affected: yes. Observed: 1 variant allele.
Comment: STRC: BP4, BP7